The following is an entry in ClinVar:

ClinVar aggregate classification (germline): Pathogenic (1 of 4 stars; one submission).

Conditions:
Lissencephaly type 1 due to doublecortin gene mutation. Also called: LISSENCEPHALY AND AGENESIS OF CORPUS CALLOSUM; LISSENCEPHALY, X-LINKED, 1. Identifiers: Orphanet 2148, MedGen C4551968, MONDO:0010239, OMIM 300067.

Submission:

Broad Center for Mendelian Genomics, Broad Institute of MIT and Harvard
Classification: Pathogenic for Lissencephaly type 1 due to doublecortin gene mutation. Last evaluated: 2023-08-24. Review status: criteria provided, single submitter. Criteria: ACMG/ClinGen CNV Guidelines, 2019. Collection method: research. Allele origin: de novo. Inheritance: X-linked inheritance. Affected: yes.
Comment: The presence of this deletion was validated by ddPCR. The breakpoints have been estimated by exome sequencing only and therefore may not reflect the true breakpoints. The patient phenotype is nonspecific, but is consistent with cases described in the literature and/or published databases with overlapping variants. There is partial overlap with the 5’ end of the DCX gene including coding sequence, which is known to be haploinsufficient and has been assessed by the ClinGen Dosage Sensitivity Working Group. This alteration is then predicted to lead to a truncated or absent protein. Loss of function of DCX is an established disease mechanism in X-linked lissencephaly. Inheritance information is unknown and the reported phenotype is nonspecific. In summary, this variant meets criteria to be classified as pathogenic for X-linked lissencephaly. The ACMG/ClinGen evidence codes and points used in this curation are as follows: 1: 0 points, 2: 0.90 points, 3: 0 points, 4-5: 0.30 points; Total: 1.20 points; Riggs 2020 (PMID: 31690835).

Literature cited by the submitters: PubMed 10807542.

GRCh38/hg38 Xq23(chrX:111250820-111333251)x1

Genes: CAPN6 (calpain 6; minus strand), DCX (doublecortin; minus strand). Cytogenetic location: Xq23.
Variant type: copy number loss.
Change: copy number 1 of chrX:111,250,820-111,333,251 (82.4 kb, GRCh38 coordinates, 1-based), cytogenetic band Xq23.
Identifiers: ClinVar variation 2579273 (VCV002579273.1).